The following is an entry in ClinVar:

NM_015340.4(LARS2):c.1383T>C (p.Ile461=)

Genes: LARS2 (leucyl-tRNA synthetase 2, mitochondrial; plus strand), LARS2-AS1 (LARS2 antisense RNA 1; minus strand). Cytogenetic location: 3p21.31.
Variant type: single nucleotide variant.
Coding change: c.1383T>C on transcript NM_015340.4 (MANE Select); coding-DNA position 1383, T replaced by C.
Protein change: p.Ile461=; no amino-acid change (isoleucine 461 retained).
Molecular consequence: synonymous variant.
Genome position (GRCh38, 1-based): chr3:45,491,660, T>C. VCF-style: chr3-45491660-T-C. GRCh37 (hg19) VCF-style: chr3-45533152-T-C.
Other names: c.1383T>C, p.Ile461= (NM_001368263.1).
Identifiers: ClinVar variation 385666 (VCV000385666.62), dbSNP rs35347543, ClinGen allele CA2349589.

ClinVar aggregate classification (germline): Conflicting classifications of pathogenicity. Review status: criteria provided, conflicting classifications (1 of 4 stars). 8 submissions from 8 submitters: Uncertain significance (1); Likely benign (6). 1 of the submissions does not count toward it. Last evaluated 2026-01-19.

Conditions:
LARS2-related disorder. Also called: LARS2-related condition.

Allele frequency attached by ClinVar (database versions not stated): TOPMed 0.00019; gnomAD 0.00020 and 0.00014; ESP Exome Variant Server 0.00023; 1000 Genomes Project 30x 0.00031; gnomAD exomes 0.00031; ExAC 0.00035; 1000 Genomes Project 0.00040.
gnomAD v4.1: 348 of 1,614,204 alleles (0.022%); highest among the groups gnomAD compares: Middle Eastern, 1.2%; 1 homozygote.

Submissions (8):

Labcorp Genetics (formerly Invitae), Labcorp
Classification: Likely benign. Last evaluated: 2026-01-19. Review status: criteria provided, single submitter. Criteria: Invitae Variant Classification Sherloc (09022015). Collection method: clinical testing. Allele origin: germline.

PreventionGenetics, part of Exact Sciences
Classification: Likely benign for LARS2-related condition. Last evaluated: 2025-12-30. Review status: criteria provided, single submitter. Criteria: ACMG Guidelines, 2015. Collection method: clinical testing. Allele origin: germline.
Comment: This variant is classified as likely benign based on ACMG/AMP sequence variant interpretation guidelines (Richards et al. 2015 PMID: 25741868, with internal and published modifications).

CeGaT Center for Human Genetics Tuebingen
Classification: Likely benign. Last evaluated: 2025-09-01. Review status: criteria provided, single submitter. Criteria: CeGaT Center For Human Genetics Tuebingen Variant Classification Criteria Version 2. Collection method: clinical testing. Allele origin: germline. Affected: yes. Observed: 7 variant alleles.
Comment: LARS2: BP4, BP7

Blueprint Genetics
Classification: Likely benign. Last evaluated: 2024-09-24. Review status: criteria provided, single submitter. Criteria: ACMG Guidelines, 2015. Collection method: clinical testing. Allele origin: germline.

GeneDx
Classification: Likely benign. Last evaluated: 2021-09-02. Review status: criteria provided, single submitter. Criteria: GeneDx Variant Classification Process June 2021. Collection method: clinical testing. Allele origin: germline. Affected: yes.

Eurofins Ntd Llc (ga)
Classification: Uncertain significance. Last evaluated: 2017-03-31. Review status: criteria provided, single submitter. Criteria: EGL Classification Definitions 2015. Collection method: clinical testing. Allele origin: germline. Observed: 1 variant allele, 1 heterozygote.

Laboratory for Molecular Medicine, Mass General Brigham Personalized Medicine
Classification: Likely benign. Last evaluated: 2016-10-18. Review status: criteria provided, single submitter. Criteria: LMM Criteria. Collection method: clinical testing. Allele origin: germline. Observed: 1 variant allele.
Comment: p.Ile461Ile in exon 13 of LARS2: This variant is not expected to have clinical s ignificance because it does not alter an amino acid residue and is not located w ithin the splice consensus sequence. It has been identified in 25/66728 European chromosomes by the Exome Aggregation Consortium (ExAC; dbSNP rs35347543).

Mayo Clinic Laboratories, Mayo Clinic
Classification: Likely benign. Last evaluated: 2017-10-31. Review status: no assertion criteria provided. Collection method: clinical testing. Allele origin: unknown. Not counted in ClinVar's aggregate classification.